The following is an entry in ClinVar:

NM_001846.4(COL4A2):c.941G>A (p.Gly314Glu)

Gene: COL4A2 (collagen type IV alpha 2 chain; plus strand). Cytogenetic location: 13q34.
Variant type: single nucleotide variant.
Coding change: c.941G>A on transcript NM_001846.4 (MANE Select); coding-DNA position 941, G replaced by A.
Protein change: p.Gly314Glu; replaces glycine 314 with glutamic acid.
Molecular consequence: missense variant.
Genome position (GRCh38, 1-based): chr13:110,439,817, G>A. VCF-style: chr13-110439817-G-A. GRCh37 (hg19) VCF-style: chr13-111092164-G-A.
Other names: short protein forms G314E.
Identifiers: ClinVar variation 3730955 (VCV003730955.1).
Genomic context (GRCh38, chr13:110,439,817, plus strand): 5'-AGCTGTTTGCTTCTGTTTTTTGTTCATTCCAGGGTTACCCTGGCTTGAGTGGTGAAAAAG[G>A]ATCACCAGGACAGAAGGTAAGTTGGATGCATGAACTGCAGTCTGCTCTGGGCCCACGACA-3'
Protein context (NP_001837.2, residues 304-324): RGYPGLSGEK[Gly314Glu]SPGQKGSRGL

ClinVar aggregate classification (germline): Uncertain significance (1 of 4 stars; one submission).

Submission:

GeneDx
Classification: Uncertain significance. Last evaluated: 2024-08-07. Review status: criteria provided, single submitter. Criteria: GeneDx Variant Classification Process June 2021. Collection method: clinical testing. Allele origin: germline. Affected: yes.
Comment: Not observed at significant frequency in large population cohorts (gnomAD); In silico analysis supports that this missense variant has a deleterious effect on protein structure/function; Has not been previously published as pathogenic or benign to our knowledge